The following is an entry in ClinVar:

NM_001098.3(ACO2):c.1643C>G (p.Pro548Arg)

Genes: ACO2 (aconitase 2; plus strand), LOC130067544 (ATAC-STARR-seq lymphoblastoid active region 19118; plus strand). Cytogenetic location: 22q13.2.
Variant type: single nucleotide variant.
Coding change: c.1643C>G on transcript NM_001098.3 (MANE Select); coding-DNA position 1643, C replaced by G.
Protein change: p.Pro548Arg; replaces proline 548 with arginine.
Molecular consequence: missense variant.
Genome position (GRCh38, 1-based): chr22:41,525,230, C>G. VCF-style: chr22-41525230-C-G. GRCh37 (hg19) VCF-style: chr22-41921234-C-G.
Other names: short protein forms P548R.
Identifiers: ClinVar variation 1945339 (VCV001945339.5), dbSNP rs200737789, ClinGen allele CA10257738.

ClinVar aggregate classification (germline): Uncertain significance (1 of 4 stars; one submission).

Allele frequency attached by ClinVar (database versions not stated): ExAC 0.00001; gnomAD exomes 0.00001; gnomAD 0.00002; TOPMed 0.00004; 1000 Genomes Project 30x 0.00031; 1000 Genomes Project 0.00040.
gnomAD v4.1: 6 of 1,614,110 alleles (0.00037%); highest among the groups gnomAD compares: Admixed American, 0.0083%; no homozygotes.

Submission:

Labcorp Genetics (formerly Invitae), Labcorp
Classification: Uncertain significance. Last evaluated: 2025-04-07. Review status: criteria provided, single submitter. Criteria: Invitae Variant Classification Sherloc (09022015). Collection method: clinical testing. Allele origin: germline.
Comment: This sequence change replaces proline, which is neutral and non-polar, with arginine, which is basic and polar, at codon 548 of the ACO2 protein (p.Pro548Arg). This variant is present in population databases (rs200737789, gnomAD 0.003%). This variant has not been reported in the literature in individuals affected with ACO2-related conditions. ClinVar contains an entry for this variant (Variation ID: 1945339). Invitae Evidence Modeling of protein sequence and biophysical properties (such as structural, functional, and spatial information, amino acid conservation, physicochemical variation, residue mobility, and thermodynamic stability) indicates that this missense variant is not expected to disrupt ACO2 protein function with a negative predictive value of 80%. In summary, the available evidence is currently insufficient to determine the role of this variant in disease. Therefore, it has been classified as a Variant of Uncertain Significance.